The following is an entry in ClinVar:

ClinVar aggregate classification (germline): Uncertain significance (1 of 4 stars; one submission).

Conditions:
Benign neonatal seizures. Also called: Convulsions benign familial neonatal dominant form; Autosomal dominant form of benign neonatal seizures; Benign neonatal familial convulsions; Benign familial neonatal epilepsy; Benign familial neonatal seizures. Identifiers: Orphanet 1949, MedGen C0220669, MONDO:0016027.

Submission:

Labcorp Genetics (formerly Invitae), Labcorp
Classification: Uncertain significance for Benign neonatal seizures. Last evaluated: 2020-09-24. Review status: criteria provided, single submitter. Criteria: Invitae Variant Classification Sherloc (09022015). Collection method: clinical testing. Allele origin: germline.
Comment: This variant has not been reported in the literature in individuals with KCNQ3-related conditions. This variant is not present in population databases (ExAC no frequency). This sequence change replaces phenylalanine with cysteine at codon 300 of the KCNQ3 protein (p.Phe300Cys). The phenylalanine residue is highly conserved and there is a large physicochemical difference between phenylalanine and cysteine. In summary, the available evidence is currently insufficient to determine the role of this variant in disease. Therefore, it has been classified as a Variant of Uncertain Significance. Algorithms developed to predict the effect of sequence changes on RNA splicing suggest that this variant may create or strengthen a splice site, but this prediction has not been confirmed by published transcriptional studies. Advanced modeling of protein sequence and biophysical properties (such as structural, functional, and spatial information, amino acid conservation, physicochemical variation, residue mobility, and thermodynamic stability) performed at Invitae indicates that this missense variant is expected to disrupt KCNQ3 protein function.

NM_004519.4(KCNQ3):c.899T>G (p.Phe300Cys)

Gene: KCNQ3 (potassium voltage-gated channel subfamily Q member 3; minus strand). Cytogenetic location: 8q24.22.
Variant type: single nucleotide variant.
Coding change: c.899T>G on transcript NM_004519.4 (MANE Select); coding-DNA position 899, T replaced by G.
Protein change: p.Phe300Cys; replaces phenylalanine 300 with cysteine.
Molecular consequence: missense variant.
Genome position (GRCh38, 1-based): chr8:132,175,487, A>C on the plus strand (T>G on the coding strand, the complement: KCNQ3 is on the minus strand). VCF-style: chr8-132175487-A-C. GRCh37 (hg19) VCF-style: chr8-133187734-A-C.
Other names: c.539T>G, p.Phe180Cys (NM_001204824.2); short protein forms F180C, F300C.
Identifiers: ClinVar variation 999329 (VCV000999329.8), dbSNP rs1554627439, ClinGen allele CA372290363.
Genomic context (GRCh38, chr8:132,175,487, plus strand): 5'-AATTGGCCTCCAAGGTAGTGACTCACCAGGCCCCACCACAGGGCATCTGCATAGGTCTCA[A>C]ACTCCTCTTTCATCTCCTCTCCTTGTGCATCCACCTCTGGGACGTCTTTCTCAACCAGGT-3'
Protein context (NP_004510.1, residues 290-310): DAQGEEMKEE[Phe300Cys]ETYADALWWG